The following is an entry in ClinVar:

ClinVar aggregate classification (germline): Uncertain significance (1 of 4 stars; one submission).

Conditions:
Inborn genetic diseases. Identifiers: MedGen C0950123, MeSH D030342.

Allele frequency attached by ClinVar (database versions not stated): ExAC 0.00001; gnomAD exomes 0.00001.
gnomAD v4.1: 6 of 1,613,892 alleles (0.00037%); highest among the groups gnomAD compares: Non-Finnish European, 0.00051%; no homozygotes.

Submission:

Ambry Genetics
Classification: Uncertain significance for Inborn genetic diseases. Last evaluated: 2020-12-04. Review status: criteria provided, single submitter. Criteria: Ambry Variant Classification Scheme 2023. Collection method: clinical testing. Allele origin: germline.
Comment: The p.D297G variant (also known as c.890A>G), located in coding exon 8 of the PLEKHG5 gene, results from an A to G substitution at nucleotide position 890. The aspartic acid at codon 297 is replaced by glycine, an amino acid with similar properties. This amino acid position is highly conserved in available vertebrate species. In addition, the in silico prediction for this alteration is inconclusive. Since supporting evidence is limited at this time, the clinical significance of this alteration remains unclear.

NM_020631.6(PLEKHG5):c.890A>G (p.Asp297Gly)

Gene: PLEKHG5 (pleckstrin homology and RhoGEF domain containing G5; minus strand). Cytogenetic location: 1p36.31.
Variant type: single nucleotide variant.
Coding change: c.890A>G on transcript NM_020631.6 (MANE Select); coding-DNA position 890, A replaced by G.
Protein change: p.Asp297Gly; replaces aspartic acid 297 with glycine.
Molecular consequence: missense variant.
Genome position (GRCh38, 1-based): chr1:6,473,080, T>C on the plus strand (A>G on the coding strand, the complement: PLEKHG5 is on the minus strand). VCF-style: chr1-6473080-T-C. GRCh37 (hg19) VCF-style: chr1-6533140-T-C.
Other names: c.1001A>G, p.Asp334Gly (NM_001042663.3, NM_001265592.2); c.890A>G, p.Asp297Gly (NM_001042664.2, NM_001042665.2, NM_001265594.3 and 1 more transcripts); c.1097A>G, p.Asp366Gly (NM_001265593.2); short protein forms D366G, D297G, D334G.
Identifiers: ClinVar variation 1765071 (VCV001765071.2), dbSNP rs768170960, ClinGen allele CA561717.